The following is an entry in ClinVar:

ClinVar aggregate classification (germline): Benign/Likely benign. Review status: criteria provided, multiple submitters, no conflicts (2 of 4 stars). 2 submissions from 2 submitters: Benign (1); Likely benign (1). Last evaluated 2025-01-17.

Conditions:
Neuronal ceroid lipofuscinosis. Also called: Neuronal Ceroid Lipofuscinoses. Identifiers: Orphanet 216, Orphanet 79263, MedGen C0027877, MONDO:0016295. Disease mechanism: loss of function.

Allele frequency attached by ClinVar (database versions not stated): TOPMed 0.00002; ESP Exome Variant Server 0.00008.
gnomAD v4.1: 17 of 1,613,452 alleles (0.0011%); highest among the groups gnomAD compares: African/African-American, 0.0093%; no homozygotes.

Submissions (2):

Labcorp Genetics (formerly Invitae), Labcorp
Classification: Likely benign for Neuronal ceroid lipofuscinosis. Last evaluated: 2025-01-17. Review status: criteria provided, single submitter. Criteria: Invitae Variant Classification Sherloc (09022015). Collection method: clinical testing. Allele origin: germline.

GeneDx
Classification: Benign. Last evaluated: 2014-12-18. Review status: criteria provided, single submitter. Criteria: GeneDx Variant Classification (06012015). Collection method: clinical testing. Allele origin: germline. Affected: yes.
Comment: This variant is considered likely benign or benign based on one or more of the following criteria: it is a conservative change, it occurs at a poorly conserved position in the protein, it is predicted to be benign by multiple in silico algorithms, and/or has population frequency not consistent with disease.

NM_001909.5(CTSD):c.69-17C>T

Genes: CTSD (cathepsin D; minus strand), PRADX (PRC2 and DDX5 associated lncRNA; plus strand). Cytogenetic location: 11p15.5.
Variant type: single nucleotide variant.
Coding change: c.69-17C>T on transcript NM_001909.5 (MANE Select); 17 bases into the intron before coding-DNA position 69, C replaced by T.
Molecular consequence: intron variant.
Genome position (GRCh38, 1-based): chr11:1,761,485, G>A on the plus strand (C>T on the coding strand, the complement: CTSD is on the minus strand). VCF-style: chr11-1761485-G-A. GRCh37 (hg19) VCF-style: chr11-1782715-G-A.
Identifiers: ClinVar variation 205334 (VCV000205334.9), dbSNP rs371858126, ClinGen allele CA314311.